The following is an entry in ClinVar:

ClinVar aggregate classification (germline): Uncertain significance (1 of 4 stars; one submission).

Allele frequency attached by ClinVar (database versions not stated): gnomAD exomes 0.00001.
gnomAD v4.1: 18 of 1,614,146 alleles (0.0011%); highest among the groups gnomAD compares: Admixed American, 0.0017%; no homozygotes.

Submission:

Labcorp Genetics (formerly Invitae), Labcorp
Classification: Uncertain significance. Last evaluated: 2022-05-01. Review status: criteria provided, single submitter. Criteria: Invitae Variant Classification Sherloc (09022015). Collection method: clinical testing. Allele origin: germline.
Comment: This sequence change replaces valine, which is neutral and non-polar, with methionine, which is neutral and non-polar, at codon 59 of the NRL protein (p.Val59Met). This variant is not present in population databases (gnomAD no frequency). This variant has not been reported in the literature in individuals affected with NRL-related conditions. Algorithms developed to predict the effect of missense changes on protein structure and function are either unavailable or do not agree on the potential impact of this missense change (SIFT: "Deleterious"; PolyPhen-2: "Benign"; Align-GVGD: "Class C0"). In summary, the available evidence is currently insufficient to determine the role of this variant in disease. Therefore, it has been classified as a Variant of Uncertain Significance.

NM_001354768.3(NRL):c.175G>A (p.Val59Met)

Gene: NRL (neural retina leucine zipper; minus strand). Cytogenetic location: 14q11.2.
Variant type: single nucleotide variant.
Coding change: c.175G>A on transcript NM_001354768.3 (MANE Select); coding-DNA position 175, G replaced by A.
Protein change: p.Val59Met; replaces valine 59 with methionine.
Molecular consequence: missense variant. On other transcripts: intron variant (1).
Genome position (GRCh38, 1-based): chr14:24,082,674, C>T on the plus strand (G>A on the coding strand, the complement: NRL is on the minus strand). VCF-style: chr14-24082674-C-T. GRCh37 (hg19) VCF-style: chr14-24551883-C-T.
Other names: c.175G>A, p.Val59Met (NM_001354769.1, NM_006177.5); c.66+109G>A (NM_001354770.2); short protein forms V59M.
Identifiers: ClinVar variation 1936963 (VCV001936963.5), dbSNP rs2036352790, ClinGen allele CA389281307.